The following is an entry in ClinVar:

ClinVar aggregate classification (germline): Benign. Review status: criteria provided, multiple submitters, no conflicts (2 of 4 stars). 9 submissions from 9 submitters: Benign (6). 3 of the submissions do not count toward it. Last evaluated 2026-05-08.

Conditions:
Geleophysic dysplasia 1 (GPHYSD1). Also called: Geleophysic dwarfism. Identifiers: Orphanet 2623, MedGen C3278147, MONDO:0009269, OMIM 231050.

Allele frequency attached by ClinVar (database versions not stated): 1000 Genomes Project 0.72464; 1000 Genomes Project 30x 0.73376; TOPMed 0.83093; gnomAD 0.84418 and 0.85254; ESP Exome Variant Server 0.87560; gnomAD exomes 0.88579.
gnomAD v4.1: 1,422,422 of 1,614,040 alleles (88%); highest among the groups gnomAD compares: Non-Finnish European, 92%; 634,360 homozygotes.

Submissions (9):

Women's Health and Genetics/Laboratory Corporation of America, LabCorp
Classification: Benign. Last evaluated: 2026-05-08. Review status: criteria provided, single submitter. Criteria: LabCorp Variant Classification Summary - May 2015. Collection method: clinical testing. Allele origin: germline.

Blueprint Genetics
Classification: Benign. Last evaluated: 2024-11-27. Review status: criteria provided, single submitter. Criteria: ACMG Guidelines, 2015. Collection method: clinical testing. Allele origin: germline.

Genome-Nilou Lab
Classification: Benign for Geleophysic dysplasia 1. Last evaluated: 2021-07-14. Review status: criteria provided, single submitter. Criteria: ACMG Guidelines, 2015. Collection method: clinical testing. Allele origin: germline. Affected: no.

GeneDx
Classification: Benign. Last evaluated: 2018-06-13. Review status: criteria provided, single submitter. Criteria: GeneDx Variant Classification (06012015). Collection method: clinical testing. Allele origin: germline. Affected: yes.
Comment: This variant is considered likely benign or benign based on one or more of the following criteria: it is a conservative change, it occurs at a poorly conserved position in the protein, it is predicted to be benign by multiple in silico algorithms, and/or has population frequency not consistent with disease.

Illumina Laboratory Services, Illumina
Classification: Benign for Geleophysic dysplasia 1. Last evaluated: 2018-01-13. Review status: criteria provided, single submitter. Criteria: ICSL Variant Classification Criteria 13 December 2019. Collection method: clinical testing. Allele origin: germline.
Comment: This variant was observed in the ICSL laboratory as part of a predisposition screen in an ostensibly healthy population. It had not been previously curated by ICSL or reported in the Human Gene Mutation Database (HGMD: prior to June 1st, 2018), and was therefore a candidate for classification through an automated scoring system. Utilizing variant allele frequency, disease prevalence and penetrance estimates, and inheritance mode, an automated score was calculated to assess if this variant is too frequent to cause the disease. Based on the score and internal cut-off values, a variant classified as benign is not then subjected to further curation. The score for this variant resulted in a classification of benign for this disease.

Breakthrough Genomics
Classification: Benign. Review status: criteria provided, single submitter. Criteria: ACMG Guidelines, 2015. Collection method: not provided. Allele origin: germline. Inheritance: Autosomal recessive inheritance. Affected: yes.

Diagnostic Laboratory, Department of Genetics, University Medical Center Groningen
Classification: Benign for Geleophysic dysplasia 1. Review status: no assertion criteria provided. Collection method: clinical testing. Allele origin: germline. Affected: yes. Study: VKGL Data-share Consensus. Not counted in ClinVar's aggregate classification.

Genome Diagnostics Laboratory, Amsterdam University Medical Center
Classification: Benign. Review status: no assertion criteria provided. Collection method: clinical testing. Allele origin: germline. Affected: yes. Study: VKGL Data-share Consensus. Not counted in ClinVar's aggregate classification.

Joint Genome Diagnostic Labs from Nijmegen and Maastricht, Radboudumc and MUMC+
Classification: Benign. Review status: no assertion criteria provided. Collection method: clinical testing. Allele origin: germline. Affected: yes. Study: VKGL Data-share Consensus. Not counted in ClinVar's aggregate classification.

NM_014694.4(ADAMTSL2):c.859A>C (p.Arg287=)

Gene: ADAMTSL2 (ADAMTS like 2; plus strand). Cytogenetic location: 9q34.2.
Variant type: single nucleotide variant.
Coding change: c.859A>C on transcript NM_014694.4 (MANE Select); coding-DNA position 859, A replaced by C.
Protein change: p.Arg287=; no amino-acid change (arginine 287 retained).
Molecular consequence: synonymous variant.
Genome position (GRCh38, 1-based): chr9:133,547,133, A>C. VCF-style: chr9-133547133-A-C. GRCh37 (hg19) VCF-style: chr9-136412255-A-C.
Other names: c.859A>C, p.Arg287= (NM_001145320.2).
Identifiers: ClinVar variation 365583 (VCV000365583.15), dbSNP rs2073876, ClinGen allele CA5312781.